The following is an entry in ClinVar:

ClinVar aggregate classification (germline): Likely pathogenic (1 of 4 stars; one submission).

Conditions:
Ellis-van Creveld syndrome (EVC). Also called: Chondroectodermal dysplasia; EVC-Related Ellis-van Creveld Syndrome; EVC2-Related Ellis-van Creveld Syndrome; MESOECTODERMAL DYSPLASIA. Identifiers: Orphanet 289, MedGen C0013903, MONDO:0009162, OMIM 225500.

Submission:

Natera, Inc.
Classification: Likely pathogenic for Ellis-van Creveld syndrome. Last evaluated: 2025-08-26. Review status: criteria provided, single submitter. Criteria: Natera Variant Classification Schema (03/2026). Collection method: clinical testing. Allele origin: germline.
Comment: The c.248C>A variant in EVC is a nonsense variant predicted to introduce a stop codon at amino acid 83. This variant is expected to result in nonsense mediated decay, truncation, or a dysfunctional protein product. This variant is rare in the general population with a frequency below the threshold expected for the associated phenotype(s). Given the available evidence, this variant is classified as Likely Pathogenic.

NM_153717.3(EVC):c.248C>A (p.Ser83Ter)

Gene: EVC (EvC ciliary complex subunit 1; plus strand). Cytogenetic location: 4p16.2.
Variant type: single nucleotide variant.
Coding change: c.248C>A on transcript NM_153717.3 (MANE Select); coding-DNA position 248, C replaced by A.
Protein change: p.Ser83Ter; replaces serine 83 with a stop codon.
Molecular consequence: nonsense.
Genome position (GRCh38, 1-based): chr4:5,719,321, C>A. VCF-style: chr4-5719321-C-A. GRCh37 (hg19) VCF-style: chr4-5721048-C-A.
Other names: c.248C>A, p.Ser83Ter (NM_001306090.2, NM_001306092.2); short protein forms S83*.
Identifiers: ClinVar variation 4816932 (VCV004816932.1).